The following is an entry in ClinVar:

NM_003070.5(SMARCA2):c.4253+3C>T

Gene: SMARCA2 (SWI/SNF related, matrix associated, actin dependent regulator of chromatin, subfamily a, member 2; plus strand). Cytogenetic location: 9p24.3.
Variant type: single nucleotide variant.
Coding change: c.4253+3C>T on transcript NM_003070.5 (MANE Select); 3 bases into the intron after coding-DNA position 4253, C replaced by T.
Molecular consequence: intron variant.
Genome position (GRCh38, 1-based): chr9:2,170,475, C>T. VCF-style: chr9-2170475-C-T. GRCh37 (hg19) VCF-style: chr9-2170475-C-T.
Other names: c.4199+8572C>T (NM_139045.4); c.4025+8572C>T (NM_001289397.2); c.4253+3C>T (NM_001289396.2); c.227+8572C>T (NM_001289398.2); c.317+8572C>T (NM_001289400.2); c.311+8572C>T (NM_001289399.2).
Identifiers: ClinVar variation 1698224 (VCV001698224.2), dbSNP rs1826189320, ClinGen allele CA1827978127.
Genomic context (GRCh38, chr9:2,170,475, plus strand): 5'-GCAGGTGTAACGTGGAGAAGGTGCCCAGTAATTCTCAGTTGGAAATAGAAGGAAACAGGT[C>T]AGGATCTGTCTTGTATTCCCCTATCTCTAAATACAGGTATCCCTCGTTACGTGAAACAGA-3'

ClinVar aggregate classification (germline): Uncertain significance (1 of 4 stars; one submission).

Allele frequency attached by ClinVar (database versions not stated): TOPMed 0.00001.
gnomAD v4.1: 5 of 1,614,070 alleles (0.00031%); highest among the groups gnomAD compares: Non-Finnish European, 0.00042%; no homozygotes.

Submission:

GeneDx
Classification: Uncertain significance. Last evaluated: 2022-01-24. Review status: criteria provided, single submitter. Criteria: GeneDx Variant Classification Process June 2021. Collection method: clinical testing. Allele origin: germline. Affected: yes.
Comment: Not observed at significant frequency in large population cohorts (gnomAD); In silico analysis supports that this variant does not alter splicing; Has not been previously published as pathogenic or benign to our knowledge